The following is an entry in ClinVar:

ClinVar aggregate classification (germline): Uncertain significance. Review status: criteria provided, multiple submitters, no conflicts (2 of 4 stars). 2 submissions from 2 submitters: Uncertain significance (2). Last evaluated 2024-03-21.

Conditions:
Klippel-Feil anomaly-myopathy-facial dysmorphism syndrome. Also called: Klippel-feil syndrome 4, autosomal recessive, with nemaline myopathy and facial dysmorphism; Klippel-Feil syndrome 4, autosomal recessive, with myopathy and facial dysmorphism. Identifiers: Orphanet 447974, MedGen C4225285, MONDO:0014689, OMIM 616549.

gnomAD v4.1: 9 of 1,613,772 alleles (0.00056%); highest among the groups gnomAD compares: African/African-American, 0.0027%; no homozygotes.

Submissions (2):

Revvity Omics, Revvity
Classification: Uncertain significance for Klippel-Feil anomaly-myopathy-facial dysmorphism syndrome. Last evaluated: 2024-03-21. Review status: criteria provided, single submitter. Criteria: ACMG Guidelines, 2015. Collection method: clinical testing. Allele origin: germline.

GeneDx
Classification: Uncertain significance. Last evaluated: 2024-01-04. Review status: criteria provided, single submitter. Criteria: GeneDx Variant Classification Process June 2021. Collection method: clinical testing. Allele origin: germline. Affected: yes.
Comment: In silico analysis supports that this missense variant does not alter protein structure/function; Has not been previously published as pathogenic or benign to our knowledge

NM_032608.7(MYO18B):c.7633C>T (p.Arg2545Trp)

Gene: MYO18B (myosin XVIIIB; plus strand). Cytogenetic location: 22q12.1.
Variant type: single nucleotide variant.
Coding change: c.7633C>T on transcript NM_032608.7 (MANE Select); coding-DNA position 7633, C replaced by T.
Protein change: p.Arg2545Trp; replaces arginine 2545 with tryptophan.
Molecular consequence: missense variant.
Genome position (GRCh38, 1-based): chr22:26,027,607, C>T. VCF-style: chr22-26027607-C-T. GRCh37 (hg19) VCF-style: chr22-26423573-C-T.
Other names: c.7636C>T, p.Arg2546Trp (NM_001318245.2); short protein forms R2545W, R2546W.
Identifiers: ClinVar variation 3367519 (VCV003367519.2).